The following is an entry in ClinVar:

NM_014915.3(ANKRD26):c.1499T>C (p.Ile500Thr)

Gene: ANKRD26 (ankyrin repeat domain 26; minus strand). Cytogenetic location: 10p12.1.
Variant type: single nucleotide variant.
Coding change: c.1499T>C on transcript NM_014915.3 (MANE Select); coding-DNA position 1499, T replaced by C.
Protein change: p.Ile500Thr; replaces isoleucine 500 with threonine.
Molecular consequence: missense variant.
Genome position (GRCh38, 1-based): chr10:27,060,410, A>G on the plus strand (T>C on the coding strand, the complement: ANKRD26 is on the minus strand). VCF-style: chr10-27060410-A-G. GRCh37 (hg19) VCF-style: chr10-27349339-A-G.
Other names: c.1499T>C, p.Ile500Thr (NM_001256053.2); short protein forms I500T.
Identifiers: ClinVar variation 2988838 (VCV002988838.4), dbSNP rs1409616405, ClinGen allele CA376357205.
Genomic context (GRCh38, chr10:27,060,410, plus strand): 5'-TTGGATGTTTGTACATCCTTCATTCCTCCTGCTTTATTTGGAACAGAATCTTTCATTTCA[A>G]TGGTAGGCTGAATGGGTTTTGAAACAAAATGATTAATAAATAATGTATACTTTATACAAT-3'
Protein context (NP_055730.2, residues 490-510): PERYLHLKPT[Ile500Thr]EMKDSVPNKA

ClinVar aggregate classification (germline): Uncertain significance. Review status: criteria provided, multiple submitters, no conflicts (2 of 4 stars). 2 submissions from 2 submitters: Uncertain significance (2). Last evaluated 2024-12-12.

Conditions:
Inborn genetic diseases. Identifiers: MedGen C0950123, MeSH D030342.

Allele frequency attached by ClinVar (database versions not stated): gnomAD exomes below 0.00001.

Submissions (2):

Ambry Genetics
Classification: Uncertain significance for Inborn genetic diseases. Last evaluated: 2024-12-12. Review status: criteria provided, single submitter. Criteria: Ambry Variant Classification Scheme 2023. Collection method: clinical testing. Allele origin: germline.
Comment: The p.I500T variant (also known as c.1499T>C), located in coding exon 15 of the ANKRD26 gene, results from a T to C substitution at nucleotide position 1499. The isoleucine at codon 500 is replaced by threonine, an amino acid with similar properties. This amino acid position is conserved. In addition, this alteration is predicted to be tolerated by in silico analysis. Based on the available evidence, the clinical significance of this variant remains unclear.

Labcorp Genetics (formerly Invitae), Labcorp
Classification: Uncertain significance. Last evaluated: 2023-02-18. Review status: criteria provided, single submitter. Criteria: Invitae Variant Classification Sherloc (09022015). Collection method: clinical testing. Allele origin: germline.
Comment: This sequence change replaces isoleucine, which is neutral and non-polar, with threonine, which is neutral and polar, at codon 500 of the ANKRD26 protein (p.Ile500Thr). This variant is present in population databases (no rsID available, gnomAD 0.0009%). This variant has not been reported in the literature in individuals affected with ANKRD26-related conditions. Algorithms developed to predict the effect of missense changes on protein structure and function output the following: SIFT: "Not Available"; PolyPhen-2: "Benign"; Align-GVGD: "Not Available". The threonine amino acid residue is found in multiple mammalian species, which suggests that this missense change does not adversely affect protein function. In summary, the available evidence is currently insufficient to determine the role of this variant in disease. Therefore, it has been classified as a Variant of Uncertain Significance.